The following is an entry in ClinVar:

ClinVar aggregate classification (germline): Benign/Likely benign. Review status: criteria provided, multiple submitters, no conflicts (2 of 4 stars). 3 submissions from 3 submitters: Benign (2); Likely benign (1). Last evaluated 2026-05-01.

Allele frequency attached by ClinVar (database versions not stated): gnomAD exomes 0.00050 and 0.00114; ExAC 0.00127; 1000 Genomes Project 0.00359; 1000 Genomes Project 30x 0.00359; ESP Exome Variant Server 0.00385; gnomAD 0.00427 and 0.00464; TOPMed 0.00474.
gnomAD v4.1: 1,411 of 1,613,860 alleles (0.087%); highest among the groups gnomAD compares: African/African-American, 1.4%; 10 homozygotes.

Submissions (3):

CeGaT Center for Human Genetics Tuebingen
Classification: Likely benign. Last evaluated: 2026-05-01. Review status: criteria provided, single submitter. Criteria: CeGaT Center For Human Genetics Tuebingen Variant Classification Criteria Version 2. Collection method: clinical testing. Allele origin: germline. Affected: yes. Observed: 3 variant alleles.
Comment: GEMIN4: BS1

Labcorp Genetics (formerly Invitae), Labcorp
Classification: Benign. Last evaluated: 2019-12-31. Review status: criteria provided, single submitter. Criteria: Invitae Variant Classification Sherloc (09022015). Collection method: clinical testing. Allele origin: germline.

Breakthrough Genomics
Classification: Benign. Review status: criteria provided, single submitter. Criteria: ACMG Guidelines, 2015. Collection method: not provided. Allele origin: germline. Inheritance: Autosomal recessive inheritance. Affected: yes.

NM_015721.3(GEMIN4):c.3004T>C (p.Tyr1002His)

Gene: GEMIN4 (gem nuclear organelle associated protein 4; minus strand). Cytogenetic location: 17p13.3.
Variant type: single nucleotide variant.
Coding change: c.3004T>C on transcript NM_015721.3 (MANE Select); coding-DNA position 3004, T replaced by C.
Protein change: p.Tyr1002His; replaces tyrosine 1002 with histidine.
Molecular consequence: missense variant.
Genome position (GRCh38, 1-based): chr17:745,039, A>G on the plus strand (T>C on the coding strand, the complement: GEMIN4 is on the minus strand). VCF-style: chr17-745039-A-G. GRCh37 (hg19) VCF-style: chr17-648279-A-G.
Other names: short protein forms Y1002H.
Identifiers: ClinVar variation 721126 (VCV000721126.13), dbSNP rs61754585, ClinGen allele CA8262318.
Genomic context (GRCh38, chr17:745,039, plus strand): 5'-CAGAAGGGTTGGTCTTGCTCAAAGTCTCATAGCAGGTGAGGGTTTCCAAGGCTAAAACGT[A>G]GAGTGGCTCACAGACCTCCGGGTGGAGCATGGCCATGATGTGCAGAGCATGGCAGAACAC-3'
Protein context (NP_056536.2, residues 992-1012): MLHPEVCEPL[Tyr1002His]VLALETLTCY